The following is an entry in ClinVar:

NM_058216.3(RAD51C):c.36G>A (p.Arg12=)

Gene: RAD51C (RAD51 paralog C; plus strand). Cytogenetic location: 17q22.
Variant type: single nucleotide variant.
Coding change: c.36G>A on transcript NM_058216.3 (MANE Select); coding-DNA position 36, G replaced by A.
Protein change: p.Arg12=; no amino-acid change (arginine 12 retained).
Molecular consequence: synonymous variant. On other transcripts: non-coding transcript variant (2).
Genome position (GRCh38, 1-based): chr17:58,692,679, G>A. VCF-style: chr17-58692679-G-A. GRCh37 (hg19) VCF-style: chr17-56770040-G-A.
Other names: c.36G>A, p.Arg12= (NM_002876.4).
Identifiers: ClinVar variation 482165 (VCV000482165.17), dbSNP rs876658798, ClinGen allele CA501074336.

ClinVar aggregate classification (germline): Benign/Likely benign. Review status: criteria provided, multiple submitters, no conflicts (2 of 4 stars). 4 submissions from 4 submitters: Benign (1); Likely benign (3). Last evaluated 2025-08-09.

Conditions:
Hereditary cancer-predisposing syndrome. Also called: Hereditary neoplastic syndrome; Neoplastic Syndromes, Hereditary; Tumor predisposition; Hereditary Cancer Syndrome. Identifiers: Orphanet 140162, MedGen C0027672, MeSH D009386, MONDO:0015356.
Fanconi anemia complementation group O. Also called: RAD51C-Related Fanconi Anemia. Identifiers: Orphanet 84, MedGen C3150653, MONDO:0013248, OMIM 613390.
Breast-ovarian cancer, familial, susceptibility to, 3. Also called: RAD51C-Related Breast/Ovarian Cancer. Identifiers: Orphanet 145, MedGen C3150659, MONDO:0013253, OMIM 613399.

Allele frequency attached by ClinVar (database versions not stated): gnomAD exomes below 0.00001.

Submissions (4):

Labcorp Genetics (formerly Invitae), Labcorp
Classification: Likely benign for Fanconi anemia complementation group O. Last evaluated: 2025-08-09. Review status: criteria provided, single submitter. Criteria: Invitae Variant Classification Sherloc (09022015). Collection method: clinical testing. Allele origin: germline.

Myriad Genetics, Inc.
Classification: Benign for Breast-ovarian cancer, familial, susceptibility to, 3. Last evaluated: 2025-02-14. Review status: criteria provided, single submitter. Criteria: Myriad Autosomal Dominant, Autosomal Recessive and X-Linked Classification Criteria (2023). Collection method: clinical testing. Allele origin: unknown.
Comment: This variant is considered benign. This variant is a silent/synonymous amino acid change and it is not expected to impact splicing.

Color Diagnostics, LLC DBA Color Health
Classification: Likely benign for Hereditary cancer-predisposing syndrome. Last evaluated: 2020-01-15. Review status: criteria provided, single submitter. Criteria: ACMG Guidelines, 2015. Collection method: clinical testing. Allele origin: germline.

Ambry Genetics
Classification: Likely benign for Hereditary cancer-predisposing syndrome. Last evaluated: 2016-03-30. Review status: criteria provided, single submitter. Criteria: Ambry Variant Classification Scheme 2023. Collection method: clinical testing. Allele origin: germline.